The following is an entry in ClinVar:

ClinVar aggregate classification (germline): Likely pathogenic (1 of 4 stars; one submission).

Conditions:
Autosomal recessive limb-girdle muscular dystrophy type 2Y (MRRSDC). Also called: Muscular dystrophy, autosomal recessive, with rigid spine and distal joint contractures; Muscular dystrophy, limb-girdle, type 2y. Identifiers: Orphanet 424261, MedGen C4511482, MONDO:0014900, OMIM 617072.

Allele frequency attached by ClinVar (database versions not stated): TOPMed below 0.00001; ExAC 0.00001.

Submission:

Labcorp Genetics (formerly Invitae), Labcorp
Classification: Likely pathogenic for Autosomal recessive limb-girdle muscular dystrophy type 2Y. Last evaluated: 2025-04-07. Review status: criteria provided, single submitter. Criteria: Invitae Variant Classification Sherloc (09022015). Collection method: clinical testing. Allele origin: germline.
Comment: This sequence change affects an acceptor splice site in intron 6 of the TOR1AIP1 gene. It is expected to disrupt RNA splicing. Variants that disrupt the donor or acceptor splice site typically lead to a loss of protein function (PMID: 16199547), and loss-of-function variants in TOR1AIP1 are known to be pathogenic (PMID: 24856141, 27342937). The frequency data for this variant in the population databases is considered unreliable, as metrics indicate poor data quality at this position in the gnomAD database. This variant has not been reported in the literature in individuals affected with TOR1AIP1-related conditions. ClinVar contains an entry for this variant (Variation ID: 843154). Algorithms developed to predict the effect of sequence changes on RNA splicing suggest that this variant may disrupt the consensus splice site. In summary, the currently available evidence indicates that the variant is pathogenic, but additional data are needed to prove that conclusively. Therefore, this variant has been classified as Likely Pathogenic.

Literature cited by the submitters: PubMed 16199547; PubMed 24856141; PubMed 27342937.

NM_015602.4(TOR1AIP1):c.797-2A>T

Gene: TOR1AIP1 (torsin 1A interacting protein 1; plus strand). Cytogenetic location: 1q25.2.
Variant type: single nucleotide variant.
Coding change: c.797-2A>T on transcript NM_015602.4 (MANE Select); the canonical splice acceptor site of the intron before coding-DNA position 797, A replaced by T.
Molecular consequence: splice acceptor variant.
Genome position (GRCh38, 1-based): chr1:179,907,821, A>T. VCF-style: chr1-179907821-A-T. GRCh37 (hg19) VCF-style: chr1-179876956-A-T.
Other names: c.800-2A>T (NM_001267578.2).
Identifiers: ClinVar variation 843154 (VCV000843154.7), dbSNP rs756798409, ClinGen allele CA1268958.